The following is an entry in ClinVar:

NM_001130823.3(DNMT1):c.391C>T (p.Pro131Ser)

Gene: DNMT1 (DNA methyltransferase 1; minus strand). Cytogenetic location: 19p13.2.
Variant type: single nucleotide variant.
Coding change: c.391C>T on transcript NM_001130823.3 (MANE Select); coding-DNA position 391, C replaced by T.
Protein change: p.Pro131Ser; replaces proline 131 with serine.
Molecular consequence: missense variant.
Genome position (GRCh38, 1-based): chr19:10,180,404, G>A on the plus strand (C>T on the coding strand, the complement: DNMT1 is on the minus strand). VCF-style: chr19-10180404-G-A. GRCh37 (hg19) VCF-style: chr19-10291080-G-A.
Other names: c.391C>T (LRG_362t1); c.391C>T, p.Pro131Ser (NM_001318730.2, NM_001379.4); c.28C>T, p.Pro10Ser (NM_001318731.2); short protein forms P131S, P10S.
Identifiers: ClinVar variation 373918 (VCV000373918.10), dbSNP rs1057518769, ClinGen allele CA16043547.

ClinVar aggregate classification (germline): Uncertain significance. Review status: criteria provided, multiple submitters, no conflicts (2 of 4 stars). 2 submissions from 2 submitters: Uncertain significance (2). Last evaluated 2025-07-14.

Conditions:
Ataxia. Identifiers: MedGen C0004134, HP:0001251.
Hereditary sensory neuropathy-deafness-dementia syndrome. Also called: HSN IE; Hereditary sensory neuropathy type IE; Hereditary Sensory and Autonomic Neuropathy Type 1E (HSAN1E); NEUROPATHY, HEREDITARY SENSORY, WITH HEARING LOSS AND DEMENTIA. Identifiers: Orphanet 456318, MedGen C3279885, MONDO:0013584, OMIM 614116.

Allele frequency attached by ClinVar (database versions not stated): gnomAD 0.00001; gnomAD exomes 0.00001.
gnomAD v4.1: 11 of 1,613,874 alleles (0.00068%); highest among the groups gnomAD compares: Non-Finnish European, 0.00085%; no homozygotes.

Submissions (2):

Labcorp Genetics (formerly Invitae), Labcorp
Classification: Uncertain significance for Hereditary sensory neuropathy-deafness-dementia syndrome. Last evaluated: 2025-07-14. Review status: criteria provided, single submitter. Criteria: Invitae Variant Classification Sherloc (09022015). Collection method: clinical testing. Allele origin: germline.
Comment: This sequence change replaces proline, which is neutral and non-polar, with serine, which is neutral and polar, at codon 131 of the DNMT1 protein (p.Pro131Ser). This variant is present in population databases (no rsID available, gnomAD 0.0009%). This variant has not been reported in the literature in individuals affected with DNMT1-related conditions. ClinVar contains an entry for this variant (Variation ID: 373918). An algorithm developed to predict the effect of missense changes on protein structure and function outputs the following: PolyPhen-2: "Benign". The serine amino acid residue is found in multiple mammalian species, which suggests that this missense change does not adversely affect protein function. In summary, the available evidence is currently insufficient to determine the role of this variant in disease. Therefore, it has been classified as a Variant of Uncertain Significance.

Centre for Mendelian Genomics, University Medical Centre Ljubljana
Classification: Uncertain significance for Ataxia. Last evaluated: 2015-12-14. Review status: criteria provided, single submitter. Criteria: ACMG Guidelines, 2015. Collection method: clinical testing. Allele origin: unknown. Affected: yes.